The following is an entry in ClinVar:

ClinVar aggregate classification (germline): Likely benign. Review status: criteria provided, single submitter (1 of 4 stars). 2 submissions from 2 submitters: Likely benign (1). 1 of the submissions does not count toward it. Last evaluated 2025-08-13.

Conditions:
ACADVL-related disorder. Also called: ACADVL-related condition.
Very long chain acyl-CoA dehydrogenase deficiency (ACADVLD). Also called: Very Long-Chain Acyl-Coenzyme A Dehydrogenase Deficiency; VLCAD Deficiency. Identifiers: Orphanet 26793, MedGen C3887523, MONDO:0008723, OMIM 201475.

Allele frequency attached by ClinVar (database versions not stated): gnomAD 0.00002.
gnomAD v4.1: 3 of 1,614,074 alleles (0.00019%); highest among the groups gnomAD compares: African/African-American, 0.004%; no homozygotes.

Submissions (2):

Labcorp Genetics (formerly Invitae), Labcorp
Classification: Likely benign for Very long chain acyl-CoA dehydrogenase deficiency. Last evaluated: 2025-08-13. Review status: criteria provided, single submitter. Criteria: Invitae Variant Classification Sherloc (09022015). Collection method: clinical testing. Allele origin: germline.

PreventionGenetics, part of Exact Sciences
Classification: Likely benign for ACADVL-related condition. Last evaluated: 2021-12-01. Review status: no assertion criteria provided. Collection method: clinical testing. Allele origin: germline. Not counted in ClinVar's aggregate classification.
Comment: This variant is classified as likely benign based on ACMG/AMP sequence variant interpretation guidelines (Richards et al. 2015 PMID: 25741868, with internal and published modifications).

NM_000018.4(ACADVL):c.273G>A (p.Pro91=)

Gene: ACADVL (acyl-CoA dehydrogenase very long chain; plus strand). Cytogenetic location: 17p13.1.
Variant type: single nucleotide variant.
Coding change: c.273G>A on transcript NM_000018.4 (MANE Select); coding-DNA position 273, G replaced by A.
Protein change: p.Pro91=; no amino-acid change (proline 91 retained).
Molecular consequence: synonymous variant.
Genome position (GRCh38, 1-based): chr17:7,220,672, G>A. VCF-style: chr17-7220672-G-A. GRCh37 (hg19) VCF-style: chr17-7123991-G-A.
Other names: c.207G>A, p.Pro69= (NM_001033859.3); c.342G>A, p.Pro114= (NM_001270447.2); c.45G>A, p.Pro15= (NM_001270448.2).
Identifiers: ClinVar variation 715348 (VCV000715348.10), dbSNP rs778993830, ClinGen allele CA497693939.